The following is an entry in ClinVar:

NM_015335.5(MED13L):c.5707C>A (p.Arg1903Ser)

Gene: MED13L (mediator complex subunit 13L; minus strand). Cytogenetic location: 12q24.21.
Variant type: single nucleotide variant.
Coding change: c.5707C>A on transcript NM_015335.5 (MANE Select); coding-DNA position 5707, C replaced by A.
Protein change: p.Arg1903Ser; replaces arginine 1903 with serine.
Molecular consequence: missense variant.
Genome position (GRCh38, 1-based): chr12:115,975,195, G>T on the plus strand (C>A on the coding strand, the complement: MED13L is on the minus strand). VCF-style: chr12-115975195-G-T. GRCh37 (hg19) VCF-style: chr12-116413000-G-T.
Other names: short protein forms R1903S.
Identifiers: ClinVar variation 3897557 (VCV003897557.1).

ClinVar aggregate classification (germline): Uncertain significance (1 of 4 stars; one submission).

Conditions:
Cardiac anomalies - developmental delay - facial dysmorphism syndrome (MRFACD). Also called: Impaired intellectual development and distinctive facial features with or without cardiac defects; MED13L Syndrome. Identifiers: Orphanet 369891, MedGen C5192431, MONDO:0014773, OMIM 616789.

Submission:

Institute of Immunology and Genetics Kaiserslautern
Classification: Uncertain significance for Cardiac anomalies - developmental delay - facial dysmorphism syndrome. Last evaluated: 2025-02-21. Review status: criteria provided, single submitter. Criteria: ACMG Guidelines, 2015. Collection method: clinical testing. Allele origin: germline. Affected: yes.
Comment: ACMG Criteria: PM1, PM2_P, PP3 ; Variant was found in heterozygous state.